The following is an entry in ClinVar:

ClinVar aggregate classification (germline): Uncertain significance (1 of 4 stars; one submission).

Submission:

Labcorp Genetics (formerly Invitae), Labcorp
Classification: Uncertain significance. Last evaluated: 2021-02-17. Review status: criteria provided, single submitter. Criteria: Invitae Variant Classification Sherloc (09022015). Collection method: clinical testing. Allele origin: germline.
Comment: This sequence change falls in intron 24 of the POLE gene. It does not directly change the encoded amino acid sequence of the POLE protein. It affects a nucleotide within the consensus splice site of the intron. This variant is not present in population databases (ExAC no frequency). This variant has not been reported in the literature in individuals with POLE-related conditions. Nucleotide substitutions within the consensus splice site are a relatively common cause of aberrant splicing (PMID: 17576681, 9536098). Algorithms developed to predict the effect of sequence changes on RNA splicing suggest that this variant is not likely to affect RNA splicing, but this prediction has not been confirmed by published transcriptional studies. In summary, the available evidence is currently insufficient to determine the role of this variant in disease. Therefore, it has been classified as a Variant of Uncertain Significance.

Literature cited by the submitters: PubMed 17576681; PubMed 9536098.

NM_006231.4(POLE):c.2864+6A>G

Gene: POLE (DNA polymerase epsilon, catalytic subunit; minus strand). Cytogenetic location: 12q24.33.
Variant type: single nucleotide variant.
Coding change: c.2864+6A>G on transcript NM_006231.4 (MANE Select); 6 bases into the intron after coding-DNA position 2864, A replaced by G.
Molecular consequence: intron variant.
Genome position (GRCh38, 1-based): chr12:132,661,521, T>C on the plus strand (A>G on the coding strand, the complement: POLE is on the minus strand). VCF-style: chr12-132661521-T-C. GRCh37 (hg19) VCF-style: chr12-133238107-T-C.
Identifiers: ClinVar variation 1409837 (VCV001409837.6), dbSNP rs2135947978, ClinGen allele CA2573148205.